The following is an entry in ClinVar:

NM_015978.3(TNNI3K):c.149+17C>A

Genes: FPGT-TNNI3K (FPGT-TNNI3K readthrough; plus strand), TNNI3K (TNNI3 interacting kinase; plus strand). Cytogenetic location: 1p31.1.
Variant type: single nucleotide variant.
Coding change: c.149+17C>A on transcript NM_015978.3 (MANE Select); 17 bases into the intron after coding-DNA position 149, C replaced by A.
Molecular consequence: intron variant.
Genome position (GRCh38, 1-based): chr1:74,236,227, C>A. VCF-style: chr1-74236227-C-A. GRCh37 (hg19) VCF-style: chr1-74701911-C-A.
Other names: c.452+17C>A (NM_001112808.3, NM_001199327.2).
Identifiers: ClinVar variation 1966644 (VCV001966644.5), dbSNP rs2524307949, ClinGen allele CA2580063219.
Genomic context (GRCh38, chr1:74,236,227, plus strand): 5'-CAGATCAAGGAAAAAGAACTGACAGAACTAAGGAATATATTTGGGTAAAGTTGTAAGAGT[C>A]ATTATTTCTTTGTATAAGTGTCTTCAGTATTCACCTTATTTTTTAAAGTATCTGTATATT-3'

ClinVar aggregate classification (germline): Uncertain significance (1 of 4 stars; one submission).

Allele frequency attached by ClinVar (database versions not stated): gnomAD exomes below 0.00001.
gnomAD v4.1: 3 of 1,589,182 alleles (0.00019%); highest among the groups gnomAD compares: South Asian, 0.0023%; no homozygotes.

Submission:

Labcorp Genetics (formerly Invitae), Labcorp
Classification: Uncertain significance. Last evaluated: 2022-09-04. Review status: criteria provided, single submitter. Criteria: Invitae Variant Classification Sherloc (09022015). Collection method: clinical testing. Allele origin: germline.
Comment: This variant has not been reported in the literature in individuals affected with TNNI3K-related conditions. This variant is not present in population databases (gnomAD no frequency). This sequence change falls in intron 2 of the TNNI3K gene. It does not directly change the encoded amino acid sequence of the TNNI3K protein. Algorithms developed to predict the effect of sequence changes on RNA splicing suggest that this variant may disrupt the consensus splice site. In summary, the available evidence is currently insufficient to determine the role of this variant in disease. Therefore, it has been classified as a Variant of Uncertain Significance.